The following is an entry in ClinVar:

NM_000481.4(AMT):c.719C>A (p.Ala240Glu)

Gene: AMT (aminomethyltransferase; minus strand). Cytogenetic location: 3p21.31.
Variant type: single nucleotide variant.
Coding change: c.719C>A on transcript NM_000481.4 (MANE Select); coding-DNA position 719, C replaced by A.
Protein change: p.Ala240Glu; replaces alanine 240 with glutamic acid.
Molecular consequence: missense variant. On other transcripts: non-coding transcript variant (1).
Genome position (GRCh38, 1-based): chr3:49,419,129, G>T on the plus strand (C>A on the coding strand, the complement: AMT is on the minus strand). VCF-style: chr3-49419129-G-T. GRCh37 (hg19) VCF-style: chr3-49456562-G-T.
Other names: p.Ala240Glu; c.587C>A, p.Ala196Glu (NM_001164710.2); c.551C>A, p.Ala184Glu (NM_001164711.2); c.719C>A, p.Ala240Glu (NM_001164712.2); short protein forms A184E, A196E, A240E.
Identifiers: ClinVar variation 4077908 (VCV004077908.2).
Genomic context (GRCh38, chr3:49,419,129, plus strand): 5'-GCTGCCAGCCCTGCCAGCTTCACCTCTGGGTTTTTCAGAATAGCTGTTGCCAGGTGAACT[G>T]CCCCCGCTACCGGCACCGAGATCTGTATGAAACACCAGAGGGCAGATGGGAAGCTCCCTG-3'
Protein context (NP_000472.2, residues 230-250): GVEISVPVAG[Ala240Glu]VHLATAILKN

ClinVar aggregate classification (germline): Uncertain significance. Review status: criteria provided, multiple submitters, no conflicts (2 of 4 stars). 2 submissions from 2 submitters: Uncertain significance (2). Last evaluated 2025-06-12.

Conditions:
Glycine encephalopathy 2 (GCE2). Identifiers: MedGen C5830559, MONDO:0958192, OMIM 620398.

gnomAD v4.1: 8 of 1,613,666 alleles (0.0005%); highest among the groups gnomAD compares: Non-Finnish European, 0.00068%; no homozygotes.

Submissions (2):

Mayo Clinic Laboratories, Mayo Clinic
Classification: Uncertain significance. Last evaluated: 2025-06-12. Review status: criteria provided, single submitter. Criteria: ACMG Guidelines, 2015. Collection method: clinical testing. Allele origin: germline. Observed: 1 variant allele.
Comment: PP3, PM2_supporting

Revvity Omics, Revvity
Classification: Uncertain significance for Glycine encephalopathy 2. Last evaluated: 2025-01-20. Review status: criteria provided, single submitter. Criteria: ACMG Guidelines, 2015. Collection method: clinical testing. Allele origin: germline.